The following is an entry in ClinVar:

ClinVar aggregate classification (germline): Uncertain significance (1 of 4 stars; one submission).

Conditions:
Intellectual developmental disorder, autosomal dominant 6, with or without seizures. Also called: GRIN2B-related developmental delay, intellectual disability and autism spectrum disorder; Intellectual disability, autosomal dominant 6. Identifiers: Orphanet 589547, MedGen C3151411, MONDO:0013509, OMIM 613970.
Developmental and epileptic encephalopathy, 27 (DEE27). Also called: GRIN2B-Related Neurodevelopmental Disorder; Epileptic encephalopathy, early infantile, 27. Identifiers: Orphanet 3451, MedGen C4015316, MONDO:0014505, OMIM 616139.

Allele frequency attached by ClinVar (database versions not stated): TOPMed below 0.00001; gnomAD exomes 0.00001.
gnomAD v4.1: 15 of 1,614,190 alleles (0.00093%); highest among the groups gnomAD compares: East Asian, 0.0022%; no homozygotes.

Submission:

Labcorp Genetics (formerly Invitae), Labcorp
Classification: Uncertain significance for Developmental and epileptic encephalopathy, 27; Intellectual developmental disorder, autosomal dominant 6, with or without seizures. Last evaluated: 2024-10-21. Review status: criteria provided, single submitter. Criteria: Invitae Variant Classification Sherloc (09022015). Collection method: clinical testing. Allele origin: germline.
Comment: This sequence change replaces arginine, which is basic and polar, with cysteine, which is neutral and slightly polar, at codon 1299 of the GRIN2B protein (p.Arg1299Cys). This variant is present in population databases (rs45540034, gnomAD 0.003%). This variant has not been reported in the literature in individuals affected with GRIN2B-related conditions. ClinVar contains an entry for this variant (Variation ID: 1409479). Invitae Evidence Modeling of protein sequence and biophysical properties (such as structural, functional, and spatial information, amino acid conservation, physicochemical variation, residue mobility, and thermodynamic stability) indicates that this missense variant is not expected to disrupt GRIN2B protein function with a negative predictive value of 95%. In summary, the available evidence is currently insufficient to determine the role of this variant in disease. Therefore, it has been classified as a Variant of Uncertain Significance.

NM_000834.5(GRIN2B):c.3895C>T (p.Arg1299Cys)

Gene: GRIN2B (glutamate ionotropic receptor NMDA type subunit 2B; minus strand). Cytogenetic location: 12p13.1.
Variant type: single nucleotide variant.
Coding change: c.3895C>T on transcript NM_000834.5 (MANE Select); coding-DNA position 3895, C replaced by T.
Protein change: p.Arg1299Cys; replaces arginine 1299 with cysteine.
Molecular consequence: missense variant.
Genome position (GRCh38, 1-based): chr12:13,563,343, G>A on the plus strand (C>T on the coding strand, the complement: GRIN2B is on the minus strand). VCF-style: chr12-13563343-G-A. GRCh37 (hg19) VCF-style: chr12-13716277-G-A.
Other names: short protein forms R1299C.
Identifiers: ClinVar variation 1409479 (VCV001409479.6), dbSNP rs45540034, ClinGen allele CA233133183.